The following is an entry in ClinVar:

NM_018979.4(WNK1):c.2033G>T (p.Gly678Val)

Gene: WNK1 (WNK lysine deficient protein kinase 1; plus strand). Cytogenetic location: 12p13.33.
Variant type: single nucleotide variant.
Coding change: c.2033G>T on transcript NM_018979.4 (MANE Select); coding-DNA position 2033, G replaced by T.
Protein change: p.Gly678Val; replaces glycine 678 with valine.
Molecular consequence: missense variant.
Genome position (GRCh38, 1-based): chr12:862,164, G>T. VCF-style: chr12-862164-G-T. GRCh37 (hg19) VCF-style: chr12-971330-G-T.
Other names: c.2033G>T, p.Gly678Val (NM_001184985.2, NM_014823.3, NM_213655.5); short protein forms G678V.
Identifiers: ClinVar variation 1438738 (VCV001438738.6), dbSNP rs1229011667, ClinGen allele CA383336393.

ClinVar aggregate classification (germline): Uncertain significance (1 of 4 stars; one submission).

Conditions:
Neuropathy, hereditary sensory and autonomic, type 2A (HSAN2A). Also called: ACROOSTEOLYSIS, GIACCAI TYPE; ACROOSTEOLYSIS, NEUROGENIC; MORVAN DISEASE; NEUROPATHY, CONGENITAL SENSORY; NEUROPATHY, HEREDITARY SENSORY RADICULAR, AUTOSOMAL RECESSIVE; NEUROPATHY, HEREDITARY SENSORY, TYPE IIA. Identifiers: Orphanet 970, MedGen C2752089, MONDO:0024309, OMIM 201300.
Pseudohypoaldosteronism type 2C (PHA2C). Also called: Pseudohypoaldosteronism Type IIC. Identifiers: Orphanet 757, Orphanet 88940, MedGen C1840391, MONDO:0013778, OMIM 614492.

Allele frequency attached by ClinVar (database versions not stated): gnomAD 0.00001.
gnomAD v4.1: 1 of 1,613,880 alleles (0.000062%); highest among the groups gnomAD compares: Non-Finnish European, 0.000085%; no homozygotes.

Submission:

Labcorp Genetics (formerly Invitae), Labcorp
Classification: Uncertain significance for Neuropathy, hereditary sensory and autonomic, type 2A; Pseudohypoaldosteronism type 2C. Last evaluated: 2021-10-06. Review status: criteria provided, single submitter. Criteria: Invitae Variant Classification Sherloc (09022015). Collection method: clinical testing. Allele origin: germline.
Comment: This sequence change replaces glycine with valine at codon 678 of the WNK1 protein (p.Gly678Val). The glycine residue is highly conserved and there is a moderate physicochemical difference between glycine and valine. In summary, the available evidence is currently insufficient to determine the role of this variant in disease. Therefore, it has been classified as a Variant of Uncertain Significance. Advanced modeling of protein sequence and biophysical properties (such as structural, functional, and spatial information, amino acid conservation, physicochemical variation, residue mobility, and thermodynamic stability) performed at Invitae indicates that this missense variant is not expected to disrupt WNK1 protein function. This variant has not been reported in the literature in individuals affected with WNK1-related conditions. This variant is not present in population databases (ExAC no frequency).